The following is an entry in ClinVar:

NM_000051.4(ATM):c.5301T>C (p.Phe1767=)

Gene: ATM (ATM serine/threonine kinase; plus strand). Cytogenetic location: 11q22.3.
Variant type: single nucleotide variant.
Coding change: c.5301T>C on transcript NM_000051.4 (MANE Select); coding-DNA position 5301, T replaced by C.
Protein change: p.Phe1767=; no amino-acid change (phenylalanine 1767 retained).
Molecular consequence: synonymous variant.
Genome position (GRCh38, 1-based): chr11:108,301,771, T>C. VCF-style: chr11-108301771-T-C. GRCh37 (hg19) VCF-style: chr11-108172498-T-C.
Other names: c.5301T>C, p.Phe1767= (NM_001351834.2).
Identifiers: ClinVar variation 478966 (VCV000478966.38), dbSNP rs1468101040, ClinGen allele CA476674827.
Genomic context (GRCh38, chr11:108,301,771, plus strand): 5'-TAGTTTCTGGGAGATTTATAAGATGACAACAGATCCAATGCTGGCCTATCTACAGCCTTT[T>C]AGAACATCAAGAAAAAAGGTCTCTTAAGTAATAAATGTTTATTGAATACCCAGCATATCT-3'
Protein context (NP_000042.3, residues 1757-1777): TDPMLAYLQP[Phe1767=]RTSRKKFLEV

ClinVar aggregate classification (germline): Benign/Likely benign. Review status: criteria provided, multiple submitters, no conflicts (2 of 4 stars). 5 submissions from 5 submitters: Benign (1); Likely benign (4). Last evaluated 2025-11-01.

Conditions:
Hereditary cancer-predisposing syndrome. Also called: Hereditary neoplastic syndrome; Tumor predisposition; Neoplastic Syndromes, Hereditary; Hereditary Cancer Syndrome. Identifiers: Orphanet 140162, MedGen C0027672, MeSH D009386, MONDO:0015356.
Familial cancer of breast. Also called: Hereditary breast cancer; hereditary breast carcinoma; BREAST CANCER, FAMILIAL. Identifiers: Orphanet 227535, MedGen C0346153, MONDO:0016419, OMIM 114480. Disease mechanism: loss of function.
Ataxia-telangiectasia syndrome (AT). Also called: ATAXIA-TELANGIECTASIA, COMPLEMENTATION GROUP A; ATAXIA-TELANGIECTASIA, FRESNO VARIANT; Ataxia-telangiectasia; Cerebello-oculocutaneous telangiectasia; Immunodeficiency with ataxia telangiectasia; Ataxia telangiectasia (A-T). Identifiers: Orphanet 100, MedGen C0004135, MONDO:0008840, OMIM 208900.

Allele frequency attached by ClinVar (database versions not stated): gnomAD exomes below 0.00001 and 0.00001.
gnomAD v4.1: 10 of 1,613,674 alleles (0.00062%); highest among the groups gnomAD compares: Non-Finnish European, 0.00085%; no homozygotes.

Submissions (5):

CeGaT Center for Human Genetics Tuebingen
Classification: Likely benign. Last evaluated: 2025-11-01. Review status: criteria provided, single submitter. Criteria: CeGaT Center For Human Genetics Tuebingen Variant Classification Criteria Version 2. Collection method: clinical testing. Allele origin: germline. Affected: yes. Observed: 2 variant alleles.
Comment: ATM: BP4, BP7

Labcorp Genetics (formerly Invitae), Labcorp
Classification: Likely benign for Ataxia-telangiectasia syndrome. Last evaluated: 2025-09-07. Review status: criteria provided, single submitter. Criteria: Invitae Variant Classification Sherloc (09022015). Collection method: clinical testing. Allele origin: germline.

Myriad Genetics, Inc.
Classification: Benign for Familial cancer of breast. Last evaluated: 2024-05-22. Review status: criteria provided, single submitter. Criteria: Myriad Autosomal Dominant, Autosomal Recessive and X-Linked Classification Criteria (2023). Collection method: clinical testing. Allele origin: unknown.
Comment: This variant is considered benign. This variant is a silent/synonymous amino acid change and it is not expected to impact splicing.

Department of Pathology and Laboratory Medicine, Sinai Health System
Classification: Likely benign for Familial cancer of breast. Last evaluated: 2020-07-02. Review status: criteria provided, single submitter. Criteria: ACMG Guidelines, 2015. Collection method: clinical testing. Allele origin: germline. Affected: yes.

Ambry Genetics
Classification: Likely benign for Hereditary cancer-predisposing syndrome. Last evaluated: 2016-04-01. Review status: criteria provided, single submitter. Criteria: Ambry Variant Classification Scheme 2023. Collection method: clinical testing. Allele origin: germline.